The following is an entry in ClinVar:

NM_002609.4(PDGFRB):c.164C>T (p.Ser55Leu)

Gene: PDGFRB (platelet derived growth factor receptor beta; minus strand). Cytogenetic location: 5q32.
Variant type: single nucleotide variant.
Coding change: c.164C>T on transcript NM_002609.4 (MANE Select); coding-DNA position 164, C replaced by T.
Protein change: p.Ser55Leu; replaces serine 55 with leucine.
Molecular consequence: missense variant. On other transcripts: 5 prime UTR variant (2).
Genome position (GRCh38, 1-based): chr5:150,135,755, G>A on the plus strand (C>T on the coding strand, the complement: PDGFRB is on the minus strand). VCF-style: chr5-150135755-G-A. GRCh37 (hg19) VCF-style: chr5-149515318-G-A.
Other names: c.-29C>T (NM_001355016.2); c.-354C>T (NM_001355017.2); short protein forms S55L.
Identifiers: ClinVar variation 450614 (VCV000450614.11), dbSNP rs147952898, ClinGen allele CA3508396.

ClinVar aggregate classification (germline): Conflicting classifications of pathogenicity. Review status: criteria provided, conflicting classifications (1 of 4 stars). 5 submissions from 5 submitters: Uncertain significance (3); Likely benign (2). Last evaluated 2026-08-01.

Conditions:
Inborn genetic diseases. Identifiers: MedGen C0950123, MeSH D030342.
Skeletal overgrowth-craniofacial dysmorphism-hyperelastic skin-white matter lesions syndrome. Also called: SKELETAL OVERGROWTH WITH FACIAL DYSMORPHISM, HYPERELASTIC SKIN, WHITE MATTER LESIONS, AND NEUROLOGIC DETERIORATION; Kosaki overgrowth syndrome. Identifiers: Orphanet 477831, MedGen C4225270, MONDO:0014704, OMIM 616592.
Acroosteolysis-keloid-like lesions-premature aging syndrome. Also called: Progeroid syndrome, Penttinen type; Premature aging syndrome, Penttinen type; Prematurely aged appearance, delayed bone maturation, acro-osteolysis, and brachydactyly. Identifiers: Orphanet 363665, MedGen C1866182, MONDO:0011150, OMIM 601812.
Infantile myofibromatosis (IMF). Also called: Congenital generalized fibromatosis. Identifiers: Orphanet 2591, MedGen C0432284, MONDO:0016824.
Basal ganglia calcification, idiopathic, 4 (PFBC4). Also called: Familial Idiopathic Basal Ganglia Calcification 4; PRIMARY FAMILIAL BRAIN CALCIFICATION 4, AUTOSOMAL DOMINANT. Identifiers: Orphanet 1980, MedGen C3554321, MONDO:0014004, OMIM 615007.

Allele frequency attached by ClinVar (database versions not stated): ExAC 0.00007; gnomAD 0.00003; TOPMed 0.00003; ESP Exome Variant Server 0.00008; gnomAD exomes 0.00010.
gnomAD v4.1: 100 of 1,613,918 alleles (0.0062%); highest among the groups gnomAD compares: Non-Finnish European, 0.0079%; no homozygotes.

Submissions (5):

CeGaT Center for Human Genetics Tuebingen
Classification: Likely benign. Last evaluated: 2026-08-01. Review status: criteria provided, single submitter. Criteria: CeGaT Center For Human Genetics Tuebingen Variant Classification Criteria Version 2. Collection method: clinical testing. Allele origin: germline. Affected: yes. Observed: 1 variant allele.
Comment: PDGFRB: BP4

GeneDx
Classification: Uncertain significance. Last evaluated: 2026-01-30. Review status: criteria provided, single submitter. Criteria: GeneDx Variant Classification Process June 2021. Collection method: clinical testing. Allele origin: germline. Affected: yes.
Comment: In silico analysis supports that this missense variant has a deleterious effect on protein structure/function; Has not been previously published as pathogenic or benign to our knowledge

Labcorp Genetics (formerly Invitae), Labcorp
Classification: Likely benign for Basal ganglia calcification, idiopathic, 4; Skeletal overgrowth-craniofacial dysmorphism-hyperelastic skin-white matter lesions syndrome; Infantile myofibromatosis; Acroosteolysis-keloid-like lesions-premature aging syndrome. Last evaluated: 2024-10-29. Review status: criteria provided, single submitter. Criteria: Invitae Variant Classification Sherloc (09022015). Collection method: clinical testing. Allele origin: germline.

Clinical Genomics Laboratory, Washington University in St. Louis
Classification: Uncertain significance for Skeletal overgrowth-craniofacial dysmorphism-hyperelastic skin-white matter lesions syndrome. Last evaluated: 2023-12-14. Review status: criteria provided, single submitter. Criteria: ACMG Guidelines, 2015. Collection method: clinical testing. Allele origin: germline.
Comment: A PDGFRB c.164C>T (p.Ser55Leu) variant was identified at a near heterozygous alellic fraction of 45.1%, a frequency which may be consistent with germline origin. The PDGFRB c.164C>T (p.Ser55Leu) variant, to our knowledge, has not been reported in the medical literature. It has been reported in the ClinVar database as a variant of uncertain signifiance by two submitters. This variant is observed on 100/1,613,918 alleles in the general population (gnomAD v.4.0.0). Computational predictors suggest that the variant does not impact PDGFRB function. Due to limited information, and based on ACMG/AMP guidelines for variant interpretation (Richards S et al., PMID: 25741868), the clinical significance of this variant is uncertain at this time.

Ambry Genetics
Classification: Uncertain significance for Inborn genetic diseases. Last evaluated: 2021-06-29. Review status: criteria provided, single submitter. Criteria: Ambry Variant Classification Scheme 2023. Collection method: clinical testing. Allele origin: germline.